The following is an entry in ClinVar:

NM_001876.4(CPT1A):c.1966C>T (p.His656Tyr)

Gene: CPT1A (carnitine palmitoyltransferase 1A; minus strand). Cytogenetic location: 11q13.3.
Variant type: single nucleotide variant.
Coding change: c.1966C>T on transcript NM_001876.4 (MANE Select); coding-DNA position 1966, C replaced by T.
Protein change: p.His656Tyr; replaces histidine 656 with tyrosine.
Molecular consequence: missense variant. On other transcripts: intron variant (1).
Genome position (GRCh38, 1-based): chr11:68,761,597, G>A on the plus strand (C>T on the coding strand, the complement: CPT1A is on the minus strand). VCF-style: chr11-68761597-G-A. GRCh37 (hg19) VCF-style: chr11-68529065-G-A.
Other names: c.1966C>T, p.His656Tyr (NM_001031847.3, NM_001440358.1, NM_001440359.1 and 2 more transcripts); c.1858C>T, p.His620Tyr (NM_001440363.1); c.1780C>T, p.His594Tyr (NM_001440365.1); c.1875+1030C>T (NM_001440364.1); short protein forms H620Y, H656Y, H594Y.
Identifiers: ClinVar variation 4986798 (VCV004986798.1).

ClinVar aggregate classification (germline): Uncertain significance (1 of 4 stars; one submission).

Conditions:
CPT1A-related disorder. Also called: CPT1A-related condition.

Submission:

PreventionGenetics, part of Exact Sciences
Classification: Uncertain significance for CPT1A-related condition. Last evaluated: 2026-02-22. Review status: criteria provided, single submitter. Criteria: ACMG Guidelines, 2015. Collection method: clinical testing. Allele origin: germline.
Comment: The CPT1A c.1966C>T variant is predicted to result in the amino acid substitution p.His656Tyr. To our knowledge, this variant has not been reported in the literature. This variant is reported in 0.00088% of alleles in individuals of European (Non-Finnish) descent in gnomAD. At this time, the clinical significance of this variant is uncertain due to the absence of conclusive functional and genetic evidence.